The following is an entry in ClinVar:

ClinVar aggregate classification (germline): Pathogenic. Review status: criteria provided, multiple submitters, no conflicts (2 of 4 stars). 3 submissions from 3 submitters: Pathogenic (3). Last evaluated 2022-05-24.

Conditions:
DICER1-related tumor predisposition. Also called: DICER1 syndrome; DICER1-related pleuropulmonary blastoma cancer predisposition syndrome. Identifiers: Orphanet 284343, MedGen C3839822, MONDO:0100216.
Hereditary cancer-predisposing syndrome. Also called: Neoplastic Syndromes, Hereditary; Hereditary neoplastic syndrome; Tumor predisposition; Hereditary Cancer Syndrome. Identifiers: Orphanet 140162, MedGen C0027672, MeSH D009386, MONDO:0015356.

Submissions (3):

Labcorp Genetics (formerly Invitae), Labcorp
Classification: Pathogenic for DICER1-related tumor predisposition. Last evaluated: 2022-05-24. Review status: criteria provided, single submitter. Criteria: Invitae Variant Classification Sherloc (09022015). Collection method: clinical testing. Allele origin: germline.
Comment: For these reasons, this variant has been classified as Pathogenic. Algorithms developed to predict the effect of sequence changes on RNA splicing suggest that this variant may disrupt the consensus splice site. ClinVar contains an entry for this variant (Variation ID: 841517). Disruption of this splice site has been observed in individual(s) with pleuropulmonary blastoma (PMID: 30665929). It has also been observed to segregate with disease in related individuals. This variant is not present in population databases (gnomAD no frequency). This sequence change affects an acceptor splice site in intron 15 of the DICER1 gene. It is expected to disrupt RNA splicing. Variants that disrupt the donor or acceptor splice site typically lead to a loss of protein function (PMID: 16199547), and loss-of-function variants in DICER1 are known to be pathogenic (PMID: 19556464, 21266384).

Ambry Genetics
Classification: Pathogenic for Hereditary cancer-predisposing syndrome. Last evaluated: 2020-05-07. Review status: criteria provided, single submitter. Criteria: Ambry Variant Classification Scheme 2023. Collection method: clinical testing. Allele origin: germline.
Comment: The c.2437-1G>A intronic pathogenic mutation results from a G to A substitution one nucleotide upstream from coding exon 15 of the DICER1 gene. A different DICER1 alteration which impacts the same splice acceptor site, c.2437-2A>G, has been reported in two siblings with pleuropulmonary blastoma (Leckey BD et al. BMJ Case Rep, 2019 Jan;12:). In addition to the clinical data presented in the literature, alterations that disrupt the canonical splice site are expected to cause aberrant splicing, resulting in an abnormal protein or a transcript that is subject to nonsense-mediated mRNA decay. As such, this alteration is classified as a disease-causing mutation.

Foulkes Cancer Genetics LDI, Lady Davis Institute for Medical Research
Classification: Pathogenic for Pleuropulmonary blastoma. Last evaluated: 2019-07-01. Review status: criteria provided, single submitter. Criteria: ACMG Guidelines, 2015. Collection method: curation. Allele origin: germline. Affected: yes. Observed: 1 variant allele.
Comment: ACMG criteria met: PVS1, PM2, PP3, PP4

Literature cited by the submitters: PubMed 30665929 (cited by Labcorp Genetics (formerly Invitae), Labcorp and Ambry Genetics); PubMed 16199547 (cited by Labcorp Genetics (formerly Invitae), Labcorp); PubMed 19556464 (cited by Labcorp Genetics (formerly Invitae), Labcorp); PubMed 21266384 (cited by Labcorp Genetics (formerly Invitae), Labcorp); PubMed 24481001 (cited by Foulkes Cancer Genetics LDI, Lady Davis Institute for Medical Research).

NM_177438.3(DICER1):c.2437-1G>A

Gene: DICER1 (dicer 1, ribonuclease III; minus strand). Cytogenetic location: 14q32.13.
Variant type: single nucleotide variant.
Coding change: c.2437-1G>A on transcript NM_177438.3 (MANE Select); the canonical splice acceptor site of the intron before coding-DNA position 2437, G replaced by A.
Molecular consequence: splice acceptor variant.
Genome position (GRCh38, 1-based): chr14:95,108,094, C>T on the plus strand (G>A on the coding strand, the complement: DICER1 is on the minus strand). VCF-style: chr14-95108094-C-T. GRCh37 (hg19) VCF-style: chr14-95574431-C-T.
Other names: c.2437-1G>A (NM_001291628.2, NM_030621.4, NM_001395677.1 and 12 more transcripts); c.2032-1G>A (NM_001395690.1, NM_001395687.1, NM_001395689.1 and 2 more transcripts); c.2155-1G>A (NM_001395686.1); c.1870-1G>A (NM_001395691.1); c.754-1G>A (NM_001395697.1).
Identifiers: ClinVar variation 841517 (VCV000841517.15), dbSNP rs1891616173, ClinGen allele CA390882036.
Genomic context (GRCh38, chr14:95,108,094, plus strand): 5'-CTTCAACTCAATGGATATGGTAACCTCTCCAGAGCGTGTGTACACAGGAAAGTGTGGAAT[C>T]TTAGCAAAAGGAAATGTAAAGCACCCCTCAAAATTAACAGGTATTTTATTCCATTACAGT-3'